The following is an entry in ClinVar:

ClinVar aggregate classification (germline): Likely benign. Review status: criteria provided, single submitter (1 of 4 stars). 2 submissions from 2 submitters: Likely benign (1). 1 of the submissions does not count toward it. Last evaluated 2025-10-22.

Conditions:
BPTF-related disorder. Also called: BPTF-related condition.

Allele frequency attached by ClinVar (database versions not stated): gnomAD 0.00001; ExAC 0.00004; TOPMed 0.00001; gnomAD exomes 0.00005.
gnomAD v4.1: 72 of 1,612,092 alleles (0.0045%); highest among the groups gnomAD compares: East Asian, 0.029%; no homozygotes.

Submissions (2):

Labcorp Genetics (formerly Invitae), Labcorp
Classification: Likely benign. Last evaluated: 2025-10-22. Review status: criteria provided, single submitter. Criteria: Invitae Variant Classification Sherloc (09022015). Collection method: clinical testing. Allele origin: germline.

PreventionGenetics, part of Exact Sciences
Classification: Likely benign for BPTF-related condition. Last evaluated: 2022-12-12. Review status: no assertion criteria provided. Collection method: clinical testing. Allele origin: germline. Not counted in ClinVar's aggregate classification.
Comment: This variant is classified as likely benign based on ACMG/AMP sequence variant interpretation guidelines (Richards et al. 2015 PMID: 25741868, with internal and published modifications).

NM_182641.4(BPTF):c.6000C>T (p.Gly2000=)

Gene: BPTF (bromodomain PHD finger transcription factor; plus strand). Cytogenetic location: 17q24.2.
Variant type: single nucleotide variant.
Coding change: c.6000C>T on transcript NM_182641.4 (MANE Select); coding-DNA position 6000, C replaced by T.
Protein change: p.Gly2000=; no amino-acid change (glycine 2000 retained).
Molecular consequence: synonymous variant.
Genome position (GRCh38, 1-based): chr17:67,929,337, C>T. VCF-style: chr17-67929337-C-T. GRCh37 (hg19) VCF-style: chr17-65925453-C-T.
Other names: c.6000C>T (NM_182641.3); c.6378C>T, p.Gly2126= (NM_004459.7).
Identifiers: ClinVar variation 3018719 (VCV003018719.5), dbSNP rs759696294, ClinGen allele CA8726088.